The following is an entry in ClinVar:

NM_001375524.1(TRRAP):c.10113G>A (p.Ala3371=)

Gene: TRRAP (transformation/transcription domain associated protein; plus strand). Cytogenetic location: 7q22.1.
Variant type: single nucleotide variant.
Coding change: c.10113G>A on transcript NM_001375524.1 (MANE Select); coding-DNA position 10113, G replaced by A.
Protein change: p.Ala3371=; no amino-acid change (alanine 3371 retained).
Molecular consequence: synonymous variant.
Genome position (GRCh38, 1-based): chr7:98,994,652, G>A. VCF-style: chr7-98994652-G-A. GRCh37 (hg19) VCF-style: chr7-98592275-G-A.
Other names: c.10071G>A, p.Ala3357= (NM_001244580.2); c.9984G>A, p.Ala3328= (NM_003496.4).
Identifiers: ClinVar variation 2077464 (VCV002077464.29), dbSNP rs200100865, ClinGen allele CA4361868.

ClinVar aggregate classification (germline): Likely benign. Review status: criteria provided, multiple submitters, no conflicts (2 of 4 stars). 3 submissions from 3 submitters: Likely benign (3). Last evaluated 2026-09-01.

Allele frequency attached by ClinVar (database versions not stated): 1000 Genomes Project 0.00020; gnomAD exomes 0.00024; ExAC 0.00026; 1000 Genomes Project 30x 0.00031.
gnomAD v4.1: 368 of 1,614,198 alleles (0.023%); highest among the groups gnomAD compares: South Asian, 0.088%; 2 homozygotes.

Submissions (3):

CeGaT Center for Human Genetics Tuebingen
Classification: Likely benign. Last evaluated: 2026-09-01. Review status: criteria provided, single submitter. Criteria: CeGaT Center For Human Genetics Tuebingen Variant Classification Criteria Version 2. Collection method: clinical testing. Allele origin: germline. Affected: yes. Observed: 5 variant alleles.
Comment: TRRAP: BP4, BP7

Labcorp Genetics (formerly Invitae), Labcorp
Classification: Likely benign. Last evaluated: 2025-11-09. Review status: criteria provided, single submitter. Criteria: Invitae Variant Classification Sherloc (09022015). Collection method: clinical testing. Allele origin: germline.

Blueprint Genetics
Classification: Likely benign. Last evaluated: 2024-09-19. Review status: criteria provided, single submitter. Criteria: ACMG Guidelines, 2015. Collection method: clinical testing. Allele origin: germline.